The following is an entry in ClinVar:

NM_000051.4(ATM):c.7090-2A>T

Genes: ATM (ATM serine/threonine kinase; plus strand), C11orf65 (chromosome 11 open reading frame 65; minus strand). Cytogenetic location: 11q22.3.
Variant type: single nucleotide variant.
Coding change: c.7090-2A>T on transcript NM_000051.4 (MANE Select); the canonical splice acceptor site of the intron before coding-DNA position 7090, A replaced by T.
Molecular consequence: splice acceptor variant. On other transcripts: intron variant (2).
Genome position (GRCh38, 1-based): chr11:108,329,019, A>T. VCF-style: chr11-108329019-A-T. GRCh37 (hg19) VCF-style: chr11-108199746-A-T.
Other names: c.7090-2A>T (NM_001351834.2); c.641-19948T>A (NM_001330368.2); c.*38+6201T>A (NM_001351110.2).
Identifiers: ClinVar variation 3148232 (VCV003148232.2), dbSNP rs2136409527, ClinGen allele CA382559372.
Genomic context (GRCh38, chr11:108,329,019, plus strand): 5'-TGATTCTTTAGATGTATTTAGTATTTGTAAATATAATTTAAATTGGTTGTGTTTTCTTGA[A>T]GGCAGTAGAAGTTGCTGGAAATTATGATGGAGAAAGTAGTGATGAGCTAAGAAATGGAAA-3'

ClinVar aggregate classification (germline): Likely pathogenic. Review status: criteria provided, multiple submitters, no conflicts (2 of 4 stars). 2 submissions from 2 submitters: Likely pathogenic (2). Last evaluated 2025-12-24.

Conditions:
Familial cancer of breast. Also called: hereditary breast carcinoma; BREAST CANCER, FAMILIAL; Hereditary breast cancer. Identifiers: Orphanet 227535, MedGen C0346153, MONDO:0016419, OMIM 114480. Disease mechanism: loss of function.
Hereditary cancer-predisposing syndrome. Also called: Tumor predisposition; Hereditary Cancer Syndrome; Hereditary neoplastic syndrome; Neoplastic Syndromes, Hereditary. Identifiers: Orphanet 140162, MedGen C0027672, MeSH D009386, MONDO:0015356.

Submissions (2):

Ambry Genetics
Classification: Likely pathogenic for Hereditary cancer-predisposing syndrome. Last evaluated: 2025-12-24. Review status: criteria provided, single submitter. Criteria: Ambry Variant Classification Scheme 2023. Collection method: clinical testing. Allele origin: germline.
Comment: The c.7090-2A>T intronic variant results from an A to T substitution two nucleotides upstream from coding exon 48 in the ATM gene. This nucleotide position is highly conserved in available vertebrate species. In silico splice site analysis predicts that this alteration will weaken the native splice acceptor site and will result in the creation or strengthening of a novel splice acceptor site. RNA studies have demonstrated that this alteration results in abnormal splicing in the set of samples tested (Ambry internal data). This variant is considered to be rare based on population cohorts in the Genome Aggregation Database (gnomAD). Based on the majority of available evidence to date, this variant is likely to be pathogenic.

Myriad Genetics, Inc.
Classification: Likely pathogenic for Familial cancer of breast. Last evaluated: 2024-01-30. Review status: criteria provided, single submitter. Criteria: Myriad Autosomal Dominant, Autosomal Recessive and X-Linked Classification Criteria (2023). Collection method: clinical testing. Allele origin: unknown.
Comment: This variant is considered likely pathogenic. This variant occurs within a consensus splice junction and is predicted to result in abnormal mRNA splicing of either an out-of-frame exon or an in-frame exon necessary for protein stability and/or normal function.